The following is an entry in ClinVar:

NM_170682.4(P2RX2):c.913A>C (p.Lys305Gln)

Gene: P2RX2 (purinergic receptor P2X 2; plus strand). Cytogenetic location: 12q24.33.
Variant type: single nucleotide variant.
Coding change: c.913A>C on transcript NM_170682.4 (MANE Select); coding-DNA position 913, A replaced by C.
Protein change: p.Lys305Gln; replaces lysine 305 with glutamine.
Molecular consequence: missense variant.
Genome position (GRCh38, 1-based): chr12:132,621,262, A>C. VCF-style: chr12-132621262-A-C. GRCh37 (hg19) VCF-style: chr12-133197848-A-C.
Other names: c.811A>C, p.Lys271Gln (NM_001282164.2); c.913A>C, p.Lys305Gln (NM_001282165.2, NM_170683.4, NM_174873.3); c.697A>C, p.Lys233Gln (NM_012226.5); c.841A>C, p.Lys281Gln (NM_016318.4); c.637A>C, p.Lys213Gln (NM_174872.3); short protein forms K213Q, K271Q, K305Q, K281Q, K233Q.
Identifiers: ClinVar variation 1977062 (VCV001977062.5), dbSNP rs756154743, ClinGen allele CA387361358.

ClinVar aggregate classification (germline): Uncertain significance (1 of 4 stars; one submission).

gnomAD v4.1: 4 of 1,613,882 alleles (0.00025%); highest among the groups gnomAD compares: Admixed American, 0.0033%; no homozygotes.

Submission:

Labcorp Genetics (formerly Invitae), Labcorp
Classification: Uncertain significance. Last evaluated: 2023-04-24. Review status: criteria provided, single submitter. Criteria: Invitae Variant Classification Sherloc (09022015). Collection method: clinical testing. Allele origin: germline.
Comment: In summary, the available evidence is currently insufficient to determine the role of this variant in disease. Therefore, it has been classified as a Variant of Uncertain Significance. Advanced modeling of protein sequence and biophysical properties (such as structural, functional, and spatial information, amino acid conservation, physicochemical variation, residue mobility, and thermodynamic stability) has been performed at Invitae for this missense variant, however the output from this modeling did not meet the statistical confidence thresholds required to predict the impact of this variant on P2RX2 protein function. ClinVar contains an entry for this variant (Variation ID: 1977062). This variant has not been reported in the literature in individuals affected with P2RX2-related conditions. This variant is not present in population databases (gnomAD no frequency). This sequence change replaces lysine, which is basic and polar, with glutamine, which is neutral and polar, at codon 305 of the P2RX2 protein (p.Lys305Gln).